The following is an entry in ClinVar:

NM_001942.4(DSG1):c.2369A>C (p.Glu790Ala)

Genes: DSG1 (desmoglein 1; plus strand), DSG1-AS1 (DSG1 antisense RNA 1; minus strand), LOC126862720 (MED14-independent group 3 enhancer GRCh37_chr18:28933613-28934812; plus strand). Cytogenetic location: 18q12.1.
Variant type: single nucleotide variant.
Coding change: c.2369A>C on transcript NM_001942.4 (MANE Select); coding-DNA position 2369, A replaced by C.
Protein change: p.Glu790Ala; replaces glutamic acid 790 with alanine.
Molecular consequence: missense variant.
Genome position (GRCh38, 1-based): chr18:31,354,565, A>C. VCF-style: chr18-31354565-A-C. GRCh37 (hg19) VCF-style: chr18-28934528-A-C.
Other names: short protein forms E790A.
Identifiers: ClinVar variation 1348513 (VCV001348513.8), dbSNP rs977312665, ClinGen allele CA297704273.
Genomic context (GRCh38, chr18:31,354,565, plus strand): 5'-ACCTTGATCCTTCTTGGCCACCACAAAGCACTGAACCAGTTTGCCTTCCTCAGGAAACAG[A>C]GCCCGTTGTTAGTGGACACCCACCAATCTCCCCACATTTCGGCACTACCACAGTAATTTC-3'
Protein context (NP_001933.2, residues 780-800): TEPVCLPQET[Glu790Ala]PVVSGHPPIS

ClinVar aggregate classification (germline): Uncertain significance (1 of 4 stars; one submission).

Allele frequency attached by ClinVar (database versions not stated): gnomAD exomes below 0.00001; TOPMed below 0.00001.
gnomAD v4.1: 1 of 1,614,164 alleles (0.000062%); highest among the groups gnomAD compares: African/African-American, 0.0013%; no homozygotes.

Submission:

Labcorp Genetics (formerly Invitae), Labcorp
Classification: Uncertain significance. Last evaluated: 2021-04-24. Review status: criteria provided, single submitter. Criteria: Invitae Variant Classification Sherloc (09022015). Collection method: clinical testing. Allele origin: germline.
Comment: In summary, the available evidence is currently insufficient to determine the role of this variant in disease. Therefore, it has been classified as a Variant of Uncertain Significance. Algorithms developed to predict the effect of missense changes on protein structure and function (SIFT, PolyPhen-2, Align-GVGD) all suggest that this variant is likely to be tolerated, but these predictions have not been confirmed by published functional studies and their clinical significance is uncertain. This variant has not been reported in the literature in individuals with DSG1-related conditions. This variant is not present in population databases (ExAC no frequency). This sequence change replaces glutamic acid with alanine at codon 790 of the DSG1 protein (p.Glu790Ala). The glutamic acid residue is highly conserved and there is a moderate physicochemical difference between glutamic acid and alanine.